The following is an entry in ClinVar:

ClinVar aggregate classification (germline): Conflicting classifications of pathogenicity. Review status: criteria provided, conflicting classifications (1 of 4 stars). 5 submissions from 5 submitters: Uncertain significance (2); Likely benign (2). 1 of the submissions does not count toward it. Last evaluated 2026-01-14.

Conditions:
Hereditary cancer-predisposing syndrome. Also called: Tumor predisposition; Hereditary neoplastic syndrome; Neoplastic Syndromes, Hereditary; Hereditary Cancer Syndrome. Identifiers: Orphanet 140162, MedGen C0027672, MeSH D009386, MONDO:0015356.
Colorectal cancer, susceptibility to, 12 (CRCS12). Also called: COLORECTAL CANCER, SUSCEPTIBILITY TO, ON CHROMOSOME 12q24. Identifiers: Orphanet 220460, MedGen C3554460, MONDO:0014038, OMIM 615083.

Allele frequency attached by ClinVar (database versions not stated): gnomAD 0.00001; ExAC 0.00002; gnomAD exomes 0.00002; TOPMed 0.00002.
gnomAD v4.1: 37 of 1,509,212 alleles (0.0025%); highest among the groups gnomAD compares: Middle Eastern, 0.017%; no homozygotes.

Submissions (5):

Labcorp Genetics (formerly Invitae), Labcorp
Classification: Likely benign. Last evaluated: 2026-01-14. Review status: criteria provided, single submitter. Criteria: Invitae Variant Classification Sherloc (09022015). Collection method: clinical testing. Allele origin: germline.

Molecular Diagnostics Laboratory, Catalan Institute of Oncology
Classification: Uncertain significance for Hereditary cancer-predisposing syndrome. Last evaluated: 2024-11-10. Review status: criteria provided, single submitter. Criteria: Submitter's publication. Collection method: clinical testing. Allele origin: germline.
Comment: BP4 POLE c.1360-20C>G is an intronic variant located close to a canonical splice site. This variant is found in 4/267946 alleles at a frequency of 0.0015% in the gnomAD v2.1.1 database, non-cancer dataset. The SpliceAI algorithm predicts no significant impact on splicing (BP4). To our knowledge, neither relevant clinical data nor well-established functional studies have been reported for this variant. The variant is present in ClinVar database (3x likely benign, 1x uncertain significance) but not in LOVD database. Based on currently available information, the variant c.1360-20C>G should be considered an uncertain significance variant.

Myriad Genetics, Inc.
Classification: Uncertain significance for Colorectal cancer, susceptibility to, 12. Last evaluated: 2023-04-19. Review status: criteria provided, single submitter. Criteria: Myriad Autosomal Dominant, Autosomal Recessive and X-Linked Classification Criteria (2023). Collection method: clinical testing. Allele origin: unknown.
Comment: This variant is classified as a variant of uncertain significance as there is insufficient evidence to determine its impact on protein function and/or cancer risk.

GeneDx
Classification: Likely benign. Last evaluated: 2017-09-28. Review status: criteria provided, single submitter. Criteria: GeneDx Variant Classification (06012015). Collection method: clinical testing. Allele origin: germline. Affected: yes.
Comment: This variant is considered likely benign or benign based on one or more of the following criteria: it is a conservative change, it occurs at a poorly conserved position in the protein, it is predicted to be benign by multiple in silico algorithms, and/or has population frequency not consistent with disease.

Counsyl
Classification: Likely benign for Colorectal cancer, susceptibility to, 12. Last evaluated: 2016-10-10. Review status: no assertion criteria provided. Collection method: clinical testing. Allele origin: unknown. Not counted in ClinVar's aggregate classification.

NM_006231.4(POLE):c.1360-20C>G

Gene: POLE (DNA polymerase epsilon, catalytic subunit; minus strand). Cytogenetic location: 12q24.33.
Variant type: single nucleotide variant.
Coding change: c.1360-20C>G on transcript NM_006231.4 (MANE Select); 20 bases into the intron before coding-DNA position 1360, C replaced by G.
Molecular consequence: intron variant.
Genome position (GRCh38, 1-based): chr12:132,673,297, G>C on the plus strand (C>G on the coding strand, the complement: POLE is on the minus strand). VCF-style: chr12-132673297-G-C. GRCh37 (hg19) VCF-style: chr12-133249883-G-C.
Identifiers: ClinVar variation 372009 (VCV000372009.12), dbSNP rs781212006, ClinGen allele CA6893980.